The following is an entry in ClinVar:

ClinVar aggregate classification (germline): Conflicting classifications of pathogenicity. Review status: criteria provided, conflicting classifications (1 of 4 stars). 4 submissions from 4 submitters: Uncertain significance (2); Likely benign (2). Last evaluated 2025-06-19.

Conditions:
Cardiovascular phenotype. Identifiers: MedGen CN230736.
Lethal congenital glycogen storage disease of heart. Also called: PHOSPHORYLASE KINASE DEFICIENCY OF HEART; GLYCOGEN STORAGE DISEASE OF HEART. Identifiers: Orphanet 439854, MedGen C1849813, MONDO:0009867, OMIM 261740.
Cardiomyopathy (CMYO). Also called: Cardiomyopathies. Identifiers: Orphanet 167848, MedGen C0878544, MONDO:0004994, HP:0001638. Inheritance: Various modes of inheritance.

Allele frequency attached by ClinVar (database versions not stated): TOPMed 0.00001.
gnomAD v4.1: 15 of 1,614,118 alleles (0.00093%); highest among the groups gnomAD compares: Admixed American, 0.025%; no homozygotes.

Submissions (4):

Ambry Genetics
Classification: Uncertain significance for Cardiovascular phenotype. Last evaluated: 2025-06-19. Review status: criteria provided, single submitter. Criteria: Ambry Variant Classification Scheme 2023. Collection method: clinical testing. Allele origin: germline.

Labcorp Genetics (formerly Invitae), Labcorp
Classification: Likely benign for Lethal congenital glycogen storage disease of heart. Last evaluated: 2024-04-25. Review status: criteria provided, single submitter. Criteria: Invitae Variant Classification Sherloc (09022015). Collection method: clinical testing. Allele origin: germline.

Color Diagnostics, LLC DBA Color Health
Classification: Likely benign for Cardiomyopathy. Last evaluated: 2019-12-02. Review status: criteria provided, single submitter. Criteria: ACMG Guidelines, 2015. Collection method: clinical testing. Allele origin: germline.

GeneDx
Classification: Uncertain significance. Last evaluated: 2016-12-12. Review status: criteria provided, single submitter. Criteria: GeneDx Variant Classification (06012015). Collection method: clinical testing. Allele origin: germline. Affected: yes.
Comment: The S130Y variant has not been published as a pathogenic variant, nor has it been reported as a benign variant to our knowledge. The S130Y variant was not observed in approximately 6500 individuals of European and African American ancestry in the NHLBI Exome Sequencing Project, indicating it is not a common benign variant in these populations. The S130Y variant is a semi-conservative amino acid substitution, which may impact secondary protein structure as these residues differ in some properties. This substitution occurs at a position that is conserved across species. In silico analysis is inconsistent in its predictions as to whether or not the variant is damaging to the protein structure/function. In summary, based on the currently available information, it is unclear whether this variant is a pathogenic variant or a rare benign variant.

NM_016203.4(PRKAG2):c.389C>A (p.Ser130Tyr)

Gene: PRKAG2 (protein kinase AMP-activated non-catalytic subunit gamma 2; minus strand). Cytogenetic location: 7q36.1.
Variant type: single nucleotide variant.
Coding change: c.389C>A on transcript NM_016203.4 (MANE Select); coding-DNA position 389, C replaced by A.
Protein change: p.Ser130Tyr; replaces serine 130 with tyrosine.
Molecular consequence: missense variant.
Genome position (GRCh38, 1-based): chr7:151,781,229, G>T on the plus strand (C>A on the coding strand, the complement: PRKAG2 is on the minus strand). VCF-style: chr7-151781229-G-T. GRCh37 (hg19) VCF-style: chr7-151478315-G-T.
Other names: c.257C>A, p.Ser86Tyr (NM_001040633.2); short protein forms S130Y, S86Y.
Identifiers: ClinVar variation 373795 (VCV000373795.11), dbSNP rs748790230, ClinGen allele CA056963.
Genomic context (GRCh38, chr7:151,781,229, plus strand): 5'-AAAAACCTGATGCCCCCGGGCGAGGTAGCAGGGTTGGAGTTGGGGGAAGACTCTTTGGAG[G>T]AGGAGCGGAAGATCCCACTGAAGCTCATGCGTCGAGGGGAGCGTGGCGGGGACTCCTGGT-3'
Protein context (NP_057287.2, residues 120-140): RMSFSGIFRS[Ser130Tyr]SKESSPNSNP